The following is an entry in ClinVar:

NM_001754.5(RUNX1):c.523C>G (p.Leu175Val)

Genes: RUNX1 (RUNX family transcription factor 1; minus strand), RUNX1-AS1 (RUNX1 antisense RNA 1; plus strand). Cytogenetic location: 21q22.12.
Variant type: single nucleotide variant.
Coding change: c.523C>G on transcript NM_001754.5 (MANE Select); coding-DNA position 523, C replaced by G.
Protein change: p.Leu175Val; replaces leucine 175 with valine.
Molecular consequence: missense variant.
Genome position (GRCh38, 1-based): chr21:34,859,564, G>C on the plus strand (C>G on the coding strand, the complement: RUNX1 is on the minus strand). VCF-style: chr21-34859564-G-C. GRCh37 (hg19) VCF-style: chr21-36231861-G-C.
Other names: NM_001754.5(RUNX1):c.523C>G; p.Leu175Val; c.442C>G, p.Leu148Val (NM_001001890.3, NM_001122607.2); c.523C>G (NM_001754.4); short protein forms L175V, L148V.
Identifiers: ClinVar variation 1404038 (VCV001404038.9), dbSNP rs868726626, ClinGen allele CA410208127.
Genomic context (GRCh38, chr21:34,859,564, plus strand): 5'-TTTTGATGGCTCTGTGGTAGGTGGCGACTTGCGGTGGGTTTGTGAAGACAGTGATGGTCA[G>C]AGTGAAGCTTTTCCCTGTGGGGACACGATAGAGAACAAAACAGAATGAGGTTGGTGGCCT-3'
Protein context (NP_001745.2, residues 165-185): GRSGRGKSFT[Leu175Val]TITVFTNPPQ

ClinVar aggregate classification (germline): Uncertain significance. Review status: reviewed by expert panel (3 of 4 stars). 3 submissions from 3 submitters: Uncertain significance (1). 2 of the submissions do not count toward it. Last evaluated 2024-09-25.

Conditions:
Hereditary thrombocytopenia and hematologic cancer predisposition syndrome. Identifiers: Orphanet 71290, MedGen CN281654, MONDO:0011071.
Inborn genetic diseases. Identifiers: MedGen C0950123, MeSH D030342.
Hereditary thrombocytopenia and hematological cancer predisposition syndrome associated with RUNX1. Also called: Familial Platelet Disorder with Propensity to Acute Myelogenous Leukemia; Familial thrombocytopenia with propensity to acute myelogenous leukemia; PLATELET DISORDER, ASPIRIN-LIKE; RUNX1 Familial Platelet Disorder with Associated Myeloid Malignancies. Identifiers: Orphanet 71290, MedGen C1832388, MeSH C563324, MONDO:0100083, OMIM 601399.

Allele frequency attached by ClinVar (database versions not stated): gnomAD exomes 0.00002 and below 0.00001; gnomAD 0.00001; TOPMed 0.00001.
gnomAD v4.1: 23 of 1,613,918 alleles (0.0014%); highest among the groups gnomAD compares: Non-Finnish European, 0.0019%; no homozygotes.

Submissions (3):

ClinGen Myeloid Malignancy Variant Curation Expert Panel
Classification: Uncertain significance for Hereditary thrombocytopenia and hematologic cancer predisposition syndrome. Last evaluated: 2024-09-25. Review status: reviewed by expert panel. Criteria: ClinGen MyeloMalig ACMG Specifications v2. Collection method: curation. Allele origin: germline. Inheritance: Autosomal dominant inheritance.
Comment: NM_001754.5(RUNX1):c.523C>G (p.Leu175Val) is a missense variant which has been found in one individual from gnomAD v2.1.1 (MAF: 0.000003976). This variant is located within the Runt Homology Domain (AA 89-204), but does not occur in an established hotspot residue (PM1_supporting). In summary, the clinical significance of this variant is uncertain. ACMG/AMP criteria applied, as specified by the Myeloid Malignancy Variant Curation Expert Panel for RUNX1: PM1_supporting.

Ambry Genetics
Classification: Uncertain significance for Inborn genetic diseases. Last evaluated: 2025-08-08. Review status: criteria provided, single submitter. Criteria: Ambry Variant Classification Scheme 2023. Collection method: clinical testing. Allele origin: germline. Not counted in ClinVar's aggregate classification.
Comment: The p.L175V variant (also known as c.523C>G), located in coding exon 5 of the RUNX1 gene, results from a C to G substitution at nucleotide position 523. The leucine at codon 175 is replaced by valine, an amino acid with highly similar properties. This amino acid position is highly conserved in available vertebrate species. In addition, this alteration is predicted to be deleterious by in silico analysis. Based on the available evidence, the clinical significance of this variant remains unclear.

Labcorp Genetics (formerly Invitae), Labcorp
Classification: Uncertain significance for Hereditary thrombocytopenia and hematological cancer predisposition syndrome associated with RUNX1. Last evaluated: 2024-05-21. Review status: criteria provided, single submitter. Criteria: Invitae Variant Classification Sherloc (09022015). Collection method: clinical testing. Allele origin: germline. Not counted in ClinVar's aggregate classification.
Comment: This sequence change replaces leucine, which is neutral and non-polar, with valine, which is neutral and non-polar, at codon 175 of the RUNX1 protein (p.Leu175Val). This variant is present in population databases (no rsID available, gnomAD 0.0009%). This variant has not been reported in the literature in individuals affected with RUNX1-related conditions. ClinVar contains an entry for this variant (Variation ID: 1404038). Advanced modeling of protein sequence and biophysical properties (such as structural, functional, and spatial information, amino acid conservation, physicochemical variation, residue mobility, and thermodynamic stability) has been performed at Invitae for this missense variant, however the output from this modeling did not meet the statistical confidence thresholds required to predict the impact of this variant on RUNX1 protein function. In summary, the available evidence is currently insufficient to determine the role of this variant in disease. Therefore, it has been classified as a Variant of Uncertain Significance.